The following is an entry in ClinVar:

ClinVar aggregate classification (germline): Uncertain significance (1 of 4 stars; one submission).

Conditions:
Autosomal recessive ataxia, Beauce type. Also called: SYNE1 Deficiency; Spinocerebellar ataxia, autosomal recessive 8; ATAXIA, RECESSIVE, OF BEAUCE; SYNE1-Related Autosomal Recessive Cerebellar Ataxia. Identifiers: Orphanet 88644, MedGen C1853116, MONDO:0012549, OMIM 610743.

gnomAD v4.1: 1 of 1,613,918 alleles (0.000062%); highest among the groups gnomAD compares: Non-Finnish European, 0.000085%; no homozygotes.

Submission:

Kariminejad - Najmabadi Pathology & Genetics Center
Classification: Uncertain significance for Autosomal recessive ataxia, Beauce type. Last evaluated: 2023-06-12. Review status: criteria provided, single submitter. Criteria: ACMG Guidelines, 2015. Collection method: clinical testing. Allele origin: germline. Inheritance: Autosomal recessive inheritance. Affected: yes.
Comment: PM2,BP1

NM_182961.4(SYNE1):c.7865C>T (p.Ala2622Val)

Gene: SYNE1 (spectrin repeat containing nuclear envelope protein 1; minus strand). Cytogenetic location: 6q25.2.
Variant type: single nucleotide variant.
Coding change: c.7865C>T on transcript NM_182961.4 (MANE Select); coding-DNA position 7865, C replaced by T.
Protein change: p.Ala2622Val; replaces alanine 2622 with valine.
Molecular consequence: missense variant.
Genome position (GRCh38, 1-based): chr6:152,391,416, G>A on the plus strand (C>T on the coding strand, the complement: SYNE1 is on the minus strand). VCF-style: chr6-152391416-G-A. GRCh37 (hg19) VCF-style: chr6-152712551-G-A.
Other names: c.7886C>T, p.Ala2629Val (NM_033071.5); short protein forms A2622V, A2629V.
Identifiers: ClinVar variation 3897036 (VCV003897036.1).